The following is an entry in ClinVar:

ClinVar aggregate classification (germline): Uncertain significance. Review status: criteria provided, multiple submitters, no conflicts (2 of 4 stars). 2 submissions from 2 submitters: Uncertain significance (2). Last evaluated 2025-05-25.

Conditions:
Inborn genetic diseases. Identifiers: MedGen C0950123, MeSH D030342.
Aortic valve disease 2 (AOVD2). Identifiers: MedGen C3542024, MONDO:0013902, OMIM 614823.

Allele frequency attached by ClinVar (database versions not stated): gnomAD exomes 0.00001 and 0.00002; ExAC 0.00002; ESP Exome Variant Server 0.00008.
gnomAD v4.1: 9 of 1,614,024 alleles (0.00056%); highest among the groups gnomAD compares: Admixed American, 0.0017%; no homozygotes.

Submissions (2):

Ambry Genetics
Classification: Uncertain significance for Inborn genetic diseases. Last evaluated: 2025-05-25. Review status: criteria provided, single submitter. Criteria: Ambry Variant Classification Scheme 2023. Collection method: clinical testing. Allele origin: germline.

Labcorp Genetics (formerly Invitae), Labcorp
Classification: Uncertain significance for Aortic valve disease 2. Last evaluated: 2019-11-02. Review status: criteria provided, single submitter. Criteria: Invitae Variant Classification Sherloc (09022015). Collection method: clinical testing. Allele origin: germline.
Comment: In summary, the available evidence is currently insufficient to determine the role of this variant in disease. Therefore, it has been classified as a Variant of Uncertain Significance. Algorithms developed to predict the effect of missense changes on protein structure and function are either unavailable or do not agree on the potential impact of this missense change (SIFT: "Deleterious"; PolyPhen-2: "Possibly Damaging"; Align-GVGD: "Class C0"). This variant has not been reported in the literature in individuals with SMAD6-related conditions. This variant is present in population databases (rs372082813, ExAC 0.003%). This sequence change replaces proline with leucine at codon 278 of the SMAD6 protein (p.Pro278Leu). The proline residue is highly conserved and there is a moderate physicochemical difference between proline and leucine.

NM_005585.5(SMAD6):c.833C>T (p.Pro278Leu)

Gene: SMAD6 (SMAD family member 6; plus strand). Cytogenetic location: 15q22.31.
Variant type: single nucleotide variant.
Coding change: c.833C>T on transcript NM_005585.5 (MANE Select); coding-DNA position 833, C replaced by T.
Protein change: p.Pro278Leu; replaces proline 278 with leucine.
Molecular consequence: missense variant. On other transcripts: non-coding transcript variant (1).
Genome position (GRCh38, 1-based): chr15:66,711,683, C>T. VCF-style: chr15-66711683-C-T. GRCh37 (hg19) VCF-style: chr15-67004021-C-T.
Other names: short protein forms P278L.
Identifiers: ClinVar variation 963660 (VCV000963660.12), dbSNP rs372082813, ClinGen allele CA7626582.
Genomic context (GRCh38, chr15:66,711,683, plus strand): 5'-GAGCTCCCCAACCCTGGCAGTGACATGCTGTCTCCTGTCTTCCAGAATCTCCGCCACCTC[C>T]CTACTCTCGGCTGTCTCCTCGCGACGAGTACAAGCCACTGGGTAAGTGTGCCCTCCTTCC-3'
Protein context (NP_005576.3, residues 268-288): RLCGPESPPP[Pro278Leu]YSRLSPRDEY